The following is an entry in ClinVar:

ClinVar aggregate classification (germline): Uncertain significance (1 of 4 stars; one submission).

gnomAD v4.1: 11 of 1,605,190 alleles (0.00069%); highest among the groups gnomAD compares: Non-Finnish European, 0.00093%; no homozygotes.

Submission:

GeneDx
Classification: Uncertain significance. Last evaluated: 2022-12-08. Review status: criteria provided, single submitter. Criteria: GeneDx Variant Classification Process June 2021. Collection method: clinical testing. Allele origin: germline. Affected: yes.
Comment: Not observed at significant frequency in large population cohorts (gnomAD); Has not been previously published as pathogenic or benign to our knowledge; In silico analysis suggests this variant may impact gene splicing. In the absence of RNA/functional studies, the actual effect of this sequence change is unknown.

NM_014233.4(UBTF):c.906-3T>A

Genes: ATXN7L3-AS1 (ATXN7L3 antisense RNA 1; plus strand), UBTF (upstream binding transcription factor; minus strand). Cytogenetic location: 17q21.31.
Variant type: single nucleotide variant.
Coding change: c.906-3T>A on transcript NM_014233.4 (MANE Select); 3 bases into the intron before coding-DNA position 906, T replaced by A.
Molecular consequence: intron variant.
Genome position (GRCh38, 1-based): chr17:44,211,750, A>T on the plus strand (T>A on the coding strand, the complement: UBTF is on the minus strand). VCF-style: chr17-44211750-A-T. GRCh37 (hg19) VCF-style: chr17-42289118-A-T.
Other names: c.795-3T>A (NM_001076683.2, NM_001076684.3).
Identifiers: ClinVar variation 2505037 (VCV002505037.1), dbSNP rs371272757, ClinGen allele CA2576288771.